The following is an entry in ClinVar:

ClinVar aggregate classification (germline): Uncertain significance (1 of 4 stars; one submission).

Allele frequency attached by ClinVar (database versions not stated): gnomAD exomes below 0.00001; TOPMed below 0.00001.

Submission:

Labcorp Genetics (formerly Invitae), Labcorp
Classification: Uncertain significance. Last evaluated: 2023-09-04. Review status: criteria provided, single submitter. Criteria: Invitae Variant Classification Sherloc (09022015). Collection method: clinical testing. Allele origin: germline.
Comment: In summary, the available evidence is currently insufficient to determine the role of this variant in disease. Therefore, it has been classified as a Variant of Uncertain Significance. This sequence change replaces isoleucine, which is neutral and non-polar, with valine, which is neutral and non-polar, at codon 91 of the IRF2BP2 protein (p.Ile91Val). This variant is not present in population databases (gnomAD no frequency). This variant has not been reported in the literature in individuals affected with IRF2BP2-related conditions. An algorithm developed to predict the effect of missense changes on protein structure and function (PolyPhen-2) suggests that this variant is likely to be tolerated.

NM_182972.3(IRF2BP2):c.271A>G (p.Ile91Val)

Genes: IRF2BP2 (interferon regulatory factor 2 binding protein 2; minus strand), LOC129932812 (ATAC-STARR-seq lymphoblastoid silent region 1977; plus strand). Cytogenetic location: 1q42.3.
Variant type: single nucleotide variant.
Coding change: c.271A>G on transcript NM_182972.3 (MANE Select); coding-DNA position 271, A replaced by G.
Protein change: p.Ile91Val; replaces isoleucine 91 with valine.
Molecular consequence: missense variant.
Genome position (GRCh38, 1-based): chr1:234,609,224, T>C on the plus strand (A>G on the coding strand, the complement: IRF2BP2 is on the minus strand). VCF-style: chr1-234609224-T-C. GRCh37 (hg19) VCF-style: chr1-234744970-T-C.
Other names: c.271A>G, p.Ile91Val (NM_001077397.1); short protein forms I91V.
Identifiers: ClinVar variation 2833835 (VCV002833835.3), dbSNP rs1672271063, ClinGen allele CA345311373.